The following is an entry in ClinVar:

ClinVar aggregate classification (germline): Uncertain significance (1 of 4 stars; one submission).

Conditions:
Cardiovascular phenotype. Identifiers: MedGen CN230736.

Submission:

Ambry Genetics
Classification: Uncertain significance for Cardiovascular phenotype. Last evaluated: 2024-03-08. Review status: criteria provided, single submitter. Criteria: Ambry Variant Classification Scheme 2023. Collection method: clinical testing. Allele origin: germline.
Comment: The p.T2559R variant (also known as c.7676C>G), located in coding exon 38 of the ANK2 gene, results from a C to G substitution at nucleotide position 7676. The threonine at codon 2559 is replaced by arginine, an amino acid with similar properties. This amino acid position is conserved. In addition, this alteration is predicted to be tolerated by in silico analysis. Based on the available evidence, the clinical significance of this alteration remains unclear.

NM_001148.6(ANK2):c.7676C>G (p.Thr2559Arg)

Genes: ANK2 (ankyrin 2; plus strand), LOC126807137 (CDK7 strongly-dependent group 2 enhancer GRCh37_chr4:114276560-114277759; plus strand). Cytogenetic location: 4q26.
Variant type: single nucleotide variant.
Coding change: c.7676C>G on transcript NM_001148.6 (MANE Select); coding-DNA position 7676, C replaced by G.
Protein change: p.Thr2559Arg; replaces threonine 2559 with arginine.
Molecular consequence: missense variant. On other transcripts: intron variant (68).
Genome position (GRCh38, 1-based): chr4:113,356,294, C>G. VCF-style: chr4-113356294-C-G. GRCh37 (hg19) VCF-style: chr4-114277450-C-G.
Other names: c.7442C>G, p.Thr2481Arg (NM_001386142.1); c.4076C>G, p.Thr1359Arg (NM_001386166.1); c.7817C>G, p.Thr2606Arg (NM_001386174.1); c.7793C>G, p.Thr2598Arg (NM_001386175.1); c.4412-4529C>G (NM_001386186.2, NM_001386148.2); c.4214-4529C>G (NM_001354269.3); c.4292-4529C>G (NM_001386187.2); c.4253-4529C>G (NM_001386147.1); and 35 more; short protein forms T1359R, T2481R, T2559R, T2598R, T2606R.
Identifiers: ClinVar variation 3221000 (VCV003221000.1), dbSNP rs1244501698, ClinGen allele CA357931426.